The following is an entry in ClinVar:

ClinVar aggregate classification (germline): Uncertain significance (1 of 4 stars; one submission).

Conditions:
Familial cold autoinflammatory syndrome 4 (FCAS4). Identifiers: Orphanet 47045, Orphanet 576349, MedGen C4015276, MONDO:0014498, OMIM 616115.
Periodic fever-infantile enterocolitis-autoinflammatory syndrome. Also called: Autoinflammation with infantile enterocolitis. Identifiers: Orphanet 436166, MedGen C4015067, MONDO:0014472, OMIM 616050.

Submission:

Labcorp Genetics (formerly Invitae), Labcorp
Classification: Uncertain significance for Periodic fever-infantile enterocolitis-autoinflammatory syndrome; Familial cold autoinflammatory syndrome 4. Last evaluated: 2022-02-10. Review status: criteria provided, single submitter. Criteria: Invitae Variant Classification Sherloc (09022015). Collection method: clinical testing. Allele origin: germline.
Comment: This sequence change replaces glycine, which is neutral and non-polar, with arginine, which is basic and polar, at codon 681 of the NLRC4 protein (p.Gly681Arg). This variant is not present in population databases (gnomAD no frequency). This variant has not been reported in the literature in individuals affected with NLRC4-related conditions. Algorithms developed to predict the effect of missense changes on protein structure and function are either unavailable or do not agree on the potential impact of this missense change (SIFT: "Deleterious"; PolyPhen-2: "Possibly Damaging"; Align-GVGD: "Class C0"). In summary, the available evidence is currently insufficient to determine the role of this variant in disease. Therefore, it has been classified as a Variant of Uncertain Significance.

NM_001199138.2(NLRC4):c.2041G>C (p.Gly681Arg)

Gene: NLRC4 (NLR family CARD domain containing 4; minus strand). Cytogenetic location: 2p22.3.
Variant type: single nucleotide variant.
Coding change: c.2041G>C on transcript NM_001199138.2 (MANE Select); coding-DNA position 2041, G replaced by C.
Protein change: p.Gly681Arg; replaces glycine 681 with arginine.
Molecular consequence: missense variant. On other transcripts: intron variant (1).
Genome position (GRCh38, 1-based): chr2:32,249,823, C>G on the plus strand (G>C on the coding strand, the complement: NLRC4 is on the minus strand). VCF-style: chr2-32249823-C-G. GRCh37 (hg19) VCF-style: chr2-32474892-C-G.
Other names: c.2041G>C, p.Gly681Arg (NM_001199139.2, NM_021209.5); c.262+2596G>C (NM_001302504.1); short protein forms G681R.
Identifiers: ClinVar variation 1412043 (VCV001412043.8), dbSNP rs2148941693, ClinGen allele CA346511133.
Genomic context (GRCh38, chr2:32,249,823, plus strand): 5'-CCACACCAGCACATCTCTTTATTTGCAGCCTGAGGCTTGTGGCAGAGCTGAATATTTTCC[C>G]CAGATATCTGATATCTTGCTTATTCAACTTGCTGAAATCCCGGAGTGTGACCTCCAGAGT-3'
Protein context (NP_001186067.1, residues 671-691): KLNKQDIRYL[Gly681Arg]KIFSSATSLR